The following is an entry in ClinVar:

NM_001242896.3(DEPDC5):c.2692G>T (p.Asp898Tyr)

Gene: DEPDC5 (DEP domain containing 5, GATOR1 subcomplex subunit; plus strand). Cytogenetic location: 22q12.3.
Variant type: single nucleotide variant.
Coding change: c.2692G>T on transcript NM_001242896.3 (MANE Select); coding-DNA position 2692, G replaced by T.
Protein change: p.Asp898Tyr; replaces aspartic acid 898 with tyrosine.
Molecular consequence: missense variant. On other transcripts: non-coding transcript variant (5).
Genome position (GRCh38, 1-based): chr22:31,843,703, G>T. VCF-style: chr22-31843703-G-T. GRCh37 (hg19) VCF-style: chr22-32239689-G-T.
Other names: c.2665G>T, p.Asp889Tyr (NM_001136029.4, NM_001369903.1, NM_014662.6); c.2458G>T, p.Asp820Tyr (NM_001242897.2, NM_001363854.2, NM_001364319.2); c.2692G>T, p.Asp898Tyr (NM_001363852.2, NM_001364318.2, NM_001364320.2); c.2608G>T, p.Asp870Tyr (NM_001369901.1, NM_001369902.1); short protein forms D889Y, D820Y, D870Y, D898Y.
Identifiers: ClinVar variation 1417825 (VCV001417825.8), dbSNP rs1421058201, ClinGen allele CA411289795.

ClinVar aggregate classification (germline): Uncertain significance (1 of 4 stars; one submission).

Conditions:
Familial focal epilepsy with variable foci (FPEVF). Identifiers: Orphanet 98820, MedGen C1858477, MONDO:0020310.

Allele frequency attached by ClinVar (database versions not stated): gnomAD exomes below 0.00001 and 0.00001; TOPMed below 0.00001.
gnomAD v4.1: 3 of 1,614,014 alleles (0.00019%); highest among the groups gnomAD compares: Admixed American, 0.0033%; no homozygotes.

Submission:

Labcorp Genetics (formerly Invitae), Labcorp
Classification: Uncertain significance for Familial focal epilepsy with variable foci. Last evaluated: 2024-05-23. Review status: criteria provided, single submitter. Criteria: Invitae Variant Classification Sherloc (09022015). Collection method: clinical testing. Allele origin: germline.
Comment: This sequence change replaces aspartic acid, which is acidic and polar, with tyrosine, which is neutral and polar, at codon 898 of the DEPDC5 protein (p.Asp898Tyr). This variant is present in population databases (no rsID available, gnomAD 0.003%). This variant has not been reported in the literature in individuals affected with DEPDC5-related conditions. ClinVar contains an entry for this variant (Variation ID: 1417825). Experimental studies and prediction algorithms are not available or were not evaluated, and the functional significance of this variant is currently unknown. In summary, the available evidence is currently insufficient to determine the role of this variant in disease. Therefore, it has been classified as a Variant of Uncertain Significance.